The following is an entry in ClinVar:

ClinVar aggregate classification (germline): Uncertain significance. Review status: criteria provided, multiple submitters, no conflicts (2 of 4 stars). 2 submissions from 2 submitters: Uncertain significance (2). Last evaluated 2024-03-22.

Conditions:
Joubert syndrome 20 (JBTS20). Identifiers: Orphanet 475, MedGen C3554235, MONDO:0013994, OMIM 614970.
Meckel syndrome, type 11 (MKS11). Identifiers: Orphanet 564, MedGen C3809352, MONDO:0014164, OMIM 615397.

Submissions (2):

Fulgent Genetics
Classification: Uncertain significance for Joubert syndrome 20; Meckel syndrome, type 11. Last evaluated: 2024-03-22. Review status: criteria provided, single submitter. Criteria: ACMG Guidelines, 2015. Collection method: clinical testing. Allele origin: germline.

Labcorp Genetics (formerly Invitae), Labcorp
Classification: Uncertain significance for Joubert syndrome 20; Meckel syndrome, type 11. Last evaluated: 2022-07-06. Review status: criteria provided, single submitter. Criteria: Invitae Variant Classification Sherloc (09022015). Collection method: clinical testing. Allele origin: germline.
Comment: This sequence change replaces arginine, which is basic and polar, with serine, which is neutral and polar, at codon 45 of the TMEM231 protein (p.Arg45Ser). This variant is not present in population databases (gnomAD no frequency). This variant has not been reported in the literature in individuals affected with TMEM231-related conditions. ClinVar contains an entry for this variant (Variation ID: 1358087). Algorithms developed to predict the effect of missense changes on protein structure and function are either unavailable or do not agree on the potential impact of this missense change (SIFT: "Tolerated"; PolyPhen-2: "Not Available"; Align-GVGD: "Class C0"). In summary, the available evidence is currently insufficient to determine the role of this variant in disease. Therefore, it has been classified as a Variant of Uncertain Significance.

NM_001077418.3(TMEM231):c.71C>A (p.Ala24Glu)

Gene: TMEM231 (transmembrane protein 231; minus strand). Cytogenetic location: 16q23.1.
Variant type: single nucleotide variant.
Coding change: c.71C>A on transcript NM_001077418.3 (MANE Select); coding-DNA position 71, C replaced by A.
Protein change: p.Ala24Glu; replaces alanine 24 with glutamic acid.
Molecular consequence: missense variant. On other transcripts: non-coding transcript variant (1).
Genome position (GRCh38, 1-based): chr16:75,556,139, G>T on the plus strand (C>A on the coding strand, the complement: TMEM231 is on the minus strand). VCF-style: chr16-75556139-G-T. GRCh37 (hg19) VCF-style: chr16-75590037-G-T.
Other names: c.133C>A, p.Arg45Ser (NM_001077416.2); short protein forms A24E, R45S.
Identifiers: ClinVar variation 1358087 (VCV001358087.4), dbSNP rs1277858041, ClinGen allele CA396810374.